The following is an entry in ClinVar:

ClinVar aggregate classification (germline): Uncertain significance (1 of 4 stars; one submission).

Allele frequency attached by ClinVar (database versions not stated): gnomAD exomes below 0.00001.
gnomAD v4.1: 3 of 1,545,702 alleles (0.00019%); highest among the groups gnomAD compares: Non-Finnish European, 0.00027%; no homozygotes.

Submission:

Labcorp Genetics (formerly Invitae), Labcorp
Classification: Uncertain significance. Last evaluated: 2023-10-05. Review status: criteria provided, single submitter. Criteria: Invitae Variant Classification Sherloc (09022015). Collection method: clinical testing. Allele origin: germline.
Comment: This sequence change falls in intron 6 of the POLR3F gene. It does not directly change the encoded amino acid sequence of the POLR3F protein. This variant is not present in population databases (gnomAD no frequency). This variant has not been reported in the literature in individuals affected with POLR3F-related conditions. In summary, the available evidence is currently insufficient to determine the role of this variant in disease. Therefore, it has been classified as a Variant of Uncertain Significance.

NM_006466.4(POLR3F):c.574-16G>A

Gene: POLR3F (RNA polymerase III subunit F; plus strand). Cytogenetic location: 20p11.23.
Variant type: single nucleotide variant.
Coding change: c.574-16G>A on transcript NM_006466.4 (MANE Select); 16 bases into the intron before coding-DNA position 574, G replaced by A.
Molecular consequence: intron variant.
Genome position (GRCh38, 1-based): chr20:18,480,386, G>A. VCF-style: chr20-18480386-G-A. GRCh37 (hg19) VCF-style: chr20-18461030-G-A.
Other names: c.451-16G>A (NM_001282526.2); c.430-16G>A (NM_001410821.1).
Identifiers: ClinVar variation 2876348 (VCV002876348.3), dbSNP rs2517425827, ClinGen allele CA2652037663.